The following is an entry in ClinVar:

NM_020247.5(COQ8A):c.263G>T (p.Gly88Val)

Gene: COQ8A (coenzyme Q8A; plus strand). Cytogenetic location: 1q42.13.
Variant type: single nucleotide variant.
Coding change: c.263G>T on transcript NM_020247.5 (MANE Select); coding-DNA position 263, G replaced by T.
Protein change: p.Gly88Val; replaces glycine 88 with valine.
Molecular consequence: missense variant.
Genome position (GRCh38, 1-based): chr1:226,965,085, G>T. VCF-style: chr1-226965085-G-T. GRCh37 (hg19) VCF-style: chr1-227152786-G-T.
Other names: short protein forms G88V.
Identifiers: ClinVar variation 1030698 (VCV001030698.1), dbSNP rs141687205, ClinGen allele CA1424976.
Genomic context (GRCh38, chr1:226,965,085, plus strand): 5'-TTGCTGAGAACTTCGGCGGCCCAGAAGGGGAGTTCCACTTCTCAGTCCCGCATGCAGCCG[G>T]AGCCTCCACAGACTTCTCTTCAGCCTCCGCTCCCGACCAGTCAGCGCCCCCATCCCTGGG-3'
Protein context (NP_064632.2, residues 78-98): EFHFSVPHAA[Gly88Val]ASTDFSSASA

ClinVar aggregate classification (germline): Uncertain significance (1 of 4 stars; one submission).

Conditions:
Autosomal recessive ataxia due to ubiquinone deficiency. Also called: Coenzyme Q10 deficiency, primary, 4; SPINOCEREBELLAR ATAXIA, AUTOSOMAL RECESSIVE 9. Identifiers: Orphanet 139485, MedGen C2677589, MONDO:0012784, OMIM 612016.

Allele frequency attached by ClinVar (database versions not stated): gnomAD exomes 0.00002; ExAC 0.00003; gnomAD 0.00005 and 0.00006; TOPMed 0.00005; 1000 Genomes Project 30x 0.00016; 1000 Genomes Project 0.00020; ESP Exome Variant Server 0.00023.
gnomAD v4.1: 10 of 1,613,954 alleles (0.00062%); highest among the groups gnomAD compares: African/African-American, 0.0093%; no homozygotes.

Submission:

Baylor Genetics
Classification: Uncertain significance for Autosomal recessive ataxia due to ubiquinone deficiency. Last evaluated: 2020-03-08. Review status: criteria provided, single submitter. Criteria: ACMG Guidelines, 2015. Collection method: clinical testing. Allele origin: unknown. Affected: yes.
Comment: This variant was determined to be of uncertain significance according to ACMG Guidelines, 2015 [PMID:25741868].